The following is an entry in ClinVar:

ClinVar aggregate classification (germline): Uncertain significance. Review status: criteria provided, multiple submitters, no conflicts (2 of 4 stars). 3 submissions from 3 submitters: Uncertain significance (3). Last evaluated 2025-02-17.

Conditions:
Hereditary cancer-predisposing syndrome. Also called: Neoplastic Syndromes, Hereditary; Tumor predisposition; Hereditary neoplastic syndrome; Hereditary Cancer Syndrome. Identifiers: Orphanet 140162, MedGen C0027672, MeSH D009386, MONDO:0015356.
Colorectal cancer, susceptibility to, 12 (CRCS12). Also called: COLORECTAL CANCER, SUSCEPTIBILITY TO, ON CHROMOSOME 12q24. Identifiers: Orphanet 220460, MedGen C3554460, MONDO:0014038, OMIM 615083.

Submissions (3):

Labcorp Genetics (formerly Invitae), Labcorp
Classification: Uncertain significance. Last evaluated: 2025-02-17. Review status: criteria provided, single submitter. Criteria: Invitae Variant Classification Sherloc (09022015). Collection method: clinical testing. Allele origin: germline.
Comment: This sequence change replaces histidine, which is basic and polar, with leucine, which is neutral and non-polar, at codon 342 of the POLE protein (p.His342Leu). This variant is not present in population databases (gnomAD no frequency). This variant has not been reported in the literature in individuals affected with POLE-related conditions. ClinVar contains an entry for this variant (Variation ID: 1366612). Invitae Evidence Modeling of protein sequence and biophysical properties (such as structural, functional, and spatial information, amino acid conservation, physicochemical variation, residue mobility, and thermodynamic stability) indicates that this missense variant is not expected to disrupt POLE protein function with a negative predictive value of 80%. In summary, the available evidence is currently insufficient to determine the role of this variant in disease. Therefore, it has been classified as a Variant of Uncertain Significance.

Baylor Genetics
Classification: Uncertain significance for Colorectal cancer, susceptibility to, 12. Last evaluated: 2023-10-27. Review status: criteria provided, single submitter. Criteria: ACMG Guidelines, 2015. Collection method: clinical testing. Allele origin: unknown.

Ambry Genetics
Classification: Uncertain significance for Hereditary cancer-predisposing syndrome. Last evaluated: 2021-10-30. Review status: criteria provided, single submitter. Criteria: Ambry Variant Classification Scheme 2023. Collection method: clinical testing. Allele origin: germline.
Comment: The p.H342L variant (also known as c.1025A>T), located in coding exon 11 of the POLE gene, results from an A to T substitution at nucleotide position 1025. The histidine at codon 342 is replaced by leucine, an amino acid with similar properties. This amino acid position is conserved. In addition, this alteration is predicted to be tolerated by in silico analysis. Since supporting evidence is limited at this time, the clinical significance of this alteration remains unclear.

NM_006231.4(POLE):c.1025A>T (p.His342Leu)

Gene: POLE (DNA polymerase epsilon, catalytic subunit; minus strand). Cytogenetic location: 12q24.33.
Variant type: single nucleotide variant.
Coding change: c.1025A>T on transcript NM_006231.4 (MANE Select); coding-DNA position 1025, A replaced by T.
Protein change: p.His342Leu; replaces histidine 342 with leucine.
Molecular consequence: missense variant.
Genome position (GRCh38, 1-based): chr12:132,675,816, T>A on the plus strand (A>T on the coding strand, the complement: POLE is on the minus strand). VCF-style: chr12-132675816-T-A. GRCh37 (hg19) VCF-style: chr12-133252402-T-A.
Other names: short protein forms H342L.
Identifiers: ClinVar variation 1366612 (VCV001366612.11), dbSNP rs2136012061, ClinGen allele CA387361872.